The following is an entry in ClinVar:

NM_006922.4(SCN3A):c.603-102G>A

Gene: SCN3A (sodium voltage-gated channel alpha subunit 3; minus strand). Cytogenetic location: 2q24.3.
Variant type: single nucleotide variant.
Coding change: c.603-102G>A on transcript NM_006922.4 (MANE Select); 102 bases into the intron before coding-DNA position 603, G replaced by A.
Molecular consequence: intron variant. On other transcripts: missense variant (1).
Genome position (GRCh38, 1-based): chr2:165,163,811, C>T on the plus strand (G>A on the coding strand, the complement: SCN3A is on the minus strand). VCF-style: chr2-165163811-C-T. GRCh37 (hg19) VCF-style: chr2-166020321-C-T.
Other names: c.685G>A, p.Val229Ile (NM_001081677.2); c.603-102G>A (NM_001081676.2); short protein forms V229I.
Identifiers: ClinVar variation 2629779 (VCV002629779.2), dbSNP rs376711149, ClinGen allele CA1939386.
Genomic context (GRCh38, chr2:165,163,811, plus strand): 5'-GAAAAGTTGGAGATATAAGGGGCCTACTACCTTACACCAGTTTCTTCTTACCTGGAATTA[C>T]AGAAATAGTTTTCAGAGCTCTCAAGACTCTGAAAGTTCGAAGGGCTGAAACATTGCCTAG-3'

ClinVar aggregate classification (germline): Uncertain significance. Review status: criteria provided, multiple submitters, no conflicts (2 of 4 stars). 2 submissions from 2 submitters: Uncertain significance (2). Last evaluated 2025-06-29.

Conditions:
SCN3A-related disorder. Also called: SCN3A-related condition.

Allele frequency attached by ClinVar (database versions not stated): gnomAD exomes below 0.00001; ExAC 0.00001; gnomAD 0.00001; TOPMed 0.00002; ESP Exome Variant Server 0.00008.
gnomAD v4.1: 8 of 1,613,694 alleles (0.0005%); highest among the groups gnomAD compares: African/African-American, 0.0013%; no homozygotes.

Submissions (2):

GeneDx
Classification: Uncertain significance. Last evaluated: 2025-06-29. Review status: criteria provided, single submitter. Criteria: GeneDx Variant Classification Process June 2021. Collection method: clinical testing. Allele origin: germline. Affected: yes.
Comment: Not observed at significant frequency in large population cohorts (gnomAD); In silico analysis suggests that this missense variant does not alter protein structure/function; Has not been previously published as pathogenic or benign to our knowledge; Reported using an alternate transcript of the gene

PreventionGenetics, part of Exact Sciences
Classification: Uncertain significance for SCN3A-related condition. Last evaluated: 2023-05-22. Review status: criteria provided, single submitter. Criteria: ACMG Guidelines, 2015. Collection method: clinical testing. Allele origin: germline.
Comment: The SCN3A c.685G>A variant is predicted to result in the amino acid substitution p.Val229Ile. To our knowledge, this variant has not been reported in the literature. This variant is reported in 0.00088% of alleles in individuals of European (Non-Finnish) descent in gnomAD. At this time, the clinical significance of this variant is uncertain due to the absence of conclusive functional and genetic evidence.